The following is an entry in ClinVar:

ClinVar aggregate classification (germline): Uncertain significance. Review status: criteria provided, multiple submitters, no conflicts (2 of 4 stars). 2 submissions from 2 submitters: Uncertain significance (2). Last evaluated 2025-02-24.

Conditions:
Glanzmann thrombasthenia. Also called: THROMBASTHENIA OF GLANZMANN AND NAEGELI; Thrombasthenia; PLATELET GLYCOPROTEIN IIb-IIIa DEFICIENCY; Glanzmann's thrombasthenia. Identifiers: Orphanet 849, MedGen C0040015, MONDO:0100326.

Allele frequency attached by ClinVar (database versions not stated): ExAC 0.00001; gnomAD 0.00002; TOPMed 0.00002.
gnomAD v4.1: 65 of 1,613,240 alleles (0.004%); highest among the groups gnomAD compares: Non-Finnish European, 0.0053%; no homozygotes.

Submissions (2):

Labcorp Genetics (formerly Invitae), Labcorp
Classification: Uncertain significance for Glanzmann thrombasthenia. Last evaluated: 2025-02-24. Review status: criteria provided, single submitter. Criteria: Invitae Variant Classification Sherloc (09022015). Collection method: clinical testing. Allele origin: germline.
Comment: This sequence change replaces arginine, which is basic and polar, with glutamine, which is neutral and polar, at codon 584 of the ITGA2B protein (p.Arg584Gln). This variant is present in population databases (rs775280054, gnomAD 0.004%). This variant has not been reported in the literature in individuals affected with ITGA2B-related conditions. ClinVar contains an entry for this variant (Variation ID: 2175804). Invitae Evidence Modeling of protein sequence and biophysical properties (such as structural, functional, and spatial information, amino acid conservation, physicochemical variation, residue mobility, and thermodynamic stability) has been performed for this missense variant. However, the output from this modeling did not meet the statistical confidence thresholds required to predict the impact of this variant on ITGA2B protein function. In summary, the available evidence is currently insufficient to determine the role of this variant in disease. Therefore, it has been classified as a Variant of Uncertain Significance.

Blueprint Genetics
Classification: Uncertain significance. Last evaluated: 2022-02-01. Review status: criteria provided, single submitter. Criteria: ACMG Guidelines, 2015. Collection method: clinical testing. Allele origin: germline.

NM_000419.5(ITGA2B):c.1751G>A (p.Arg584Gln)

Gene: ITGA2B (integrin subunit alpha 2b; minus strand). Cytogenetic location: 17q21.31.
Variant type: single nucleotide variant.
Coding change: c.1751G>A on transcript NM_000419.5 (MANE Select); coding-DNA position 1751, G replaced by A.
Protein change: p.Arg584Gln; replaces arginine 584 with glutamine.
Molecular consequence: missense variant.
Genome position (GRCh38, 1-based): chr17:44,380,003, C>T on the plus strand (G>A on the coding strand, the complement: ITGA2B is on the minus strand). VCF-style: chr17-44380003-C-T. GRCh37 (hg19) VCF-style: chr17-42457371-C-T.
Other names: short protein forms R584Q.
Identifiers: ClinVar variation 2175804 (VCV002175804.5), dbSNP rs775280054, ClinGen allele CA8602970.